The following is an entry in ClinVar:

NM_001353921.2(ARHGEF9):c.372C>T (p.His124=)

Gene: ARHGEF9 (Cdc42 guanine nucleotide exchange factor 9; minus strand). Cytogenetic location: Xq11.1.
Variant type: single nucleotide variant.
Coding change: c.372C>T on transcript NM_001353921.2 (MANE Select); coding-DNA position 372, C replaced by T.
Protein change: p.His124=; no amino-acid change (histidine 124 retained).
Molecular consequence: synonymous variant. On other transcripts: 5 prime UTR variant (1).
Genome position (GRCh38, 1-based): chrX:63,706,288, G>A on the plus strand (C>T on the coding strand, the complement: ARHGEF9 is on the minus strand). VCF-style: chrX-63706288-G-A. GRCh37 (hg19) VCF-style: chrX-62926168-G-A.
Other names: c.192C>T, p.His64= (NM_001173479.2); c.45C>T, p.His15= (NM_001173480.2, NM_001369042.1); c.288C>T, p.His96= (NM_001330495.2, NM_001353927.2, NM_001369033.1 and 8 more transcripts); c.372C>T, p.His124= (NM_001353922.2); c.390C>T, p.His130= (NM_001353923.1); c.171C>T, p.His57= (NM_001353924.2, NM_001353926.2, NM_001369039.1 and 1 more transcripts); c.351C>T, p.His117= (NM_001353928.2, NM_001369030.1, NM_001369031.1 and 2 more transcripts); c.-332C>T (NM_001369045.1).
Identifiers: ClinVar variation 434307 (VCV000434307.33), dbSNP rs138198839, ClinGen allele CA10431962.

ClinVar aggregate classification (germline): Conflicting classifications of pathogenicity. Review status: criteria provided, conflicting classifications (1 of 4 stars). 6 submissions from 6 submitters: Uncertain significance (1); Likely benign (5). Last evaluated 2026-03-01.

Conditions:
Developmental and epileptic encephalopathy, 8 (DEE8). Also called: HYPEREKPLEXIA AND EPILEPSY. Identifiers: Orphanet 163985, Orphanet 2076, MedGen C1845102, MONDO:0010375, OMIM 300607.
Inborn genetic diseases. Identifiers: MedGen C0950123, MeSH D030342.

Allele frequency attached by ClinVar (database versions not stated): gnomAD 0.00004 and 0.00005; gnomAD exomes 0.00004 and 0.00010; ExAC 0.00007; TOPMed 0.00008; ESP Exome Variant Server 0.00009.
gnomAD v4.1: 115 of 1,202,155 alleles (0.0096%); highest among the groups gnomAD compares: Non-Finnish European, 0.012%; no homozygotes.

Submissions (6):

CeGaT Center for Human Genetics Tuebingen
Classification: Likely benign. Last evaluated: 2026-03-01. Review status: criteria provided, single submitter. Criteria: CeGaT Center For Human Genetics Tuebingen Variant Classification Criteria Version 2. Collection method: clinical testing. Allele origin: germline. Affected: yes. Observed: 2 variant alleles.
Comment: ARHGEF9: BP4, BP7, BS2

Labcorp Genetics (formerly Invitae), Labcorp
Classification: Likely benign for Developmental and epileptic encephalopathy, 8. Last evaluated: 2025-08-21. Review status: criteria provided, single submitter. Criteria: Invitae Variant Classification Sherloc (09022015). Collection method: clinical testing. Allele origin: germline.

Blueprint Genetics
Classification: Likely benign. Last evaluated: 2021-09-24. Review status: criteria provided, single submitter. Criteria: ACMG Guidelines, 2015. Collection method: clinical testing. Allele origin: germline.

GeneDx
Classification: Likely benign. Last evaluated: 2018-02-20. Review status: criteria provided, single submitter. Criteria: GeneDx Variant Classification (06012015). Collection method: clinical testing. Allele origin: germline. Affected: yes.
Comment: This variant is considered likely benign or benign based on one or more of the following criteria: it is a conservative change, it occurs at a poorly conserved position in the protein, it is predicted to be benign by multiple in silico algorithms, and/or has population frequency not consistent with disease.

Ambry Genetics
Classification: Likely benign for Inborn genetic diseases. Last evaluated: 2018-02-16. Review status: criteria provided, single submitter. Criteria: Ambry Variant Classification Scheme 2023. Collection method: clinical testing. Allele origin: germline.

Genetic Services Laboratory, University of Chicago
Classification: Uncertain significance. Last evaluated: 2015-08-28. Review status: criteria provided, single submitter. Criteria: ACMG Guidelines, 2015. Collection method: clinical testing. Allele origin: germline. Affected: no.